The following is an entry in ClinVar:

ClinVar aggregate classification (germline): Uncertain significance (1 of 4 stars; one submission).

Conditions:
Familial adenomatous polyposis 1 (FAP1). Also called: FAMILIAL ADENOMATOUS POLYPOSIS 1, ATTENUATED; POLYPOSIS, ADENOMATOUS INTESTINAL. Identifiers: MedGen C2713442, MONDO:0021056, OMIM 175100. Disease mechanism: loss of function.

Allele frequency attached by ClinVar (database versions not stated): gnomAD exomes below 0.00001; ExAC 0.00001.
gnomAD v4.1: 1 of 1,614,138 alleles (0.000062%); highest among the groups gnomAD compares: Non-Finnish European, 0.000085%; no homozygotes.

Submission:

Labcorp Genetics (formerly Invitae), Labcorp
Classification: Uncertain significance for Familial adenomatous polyposis 1. Last evaluated: 2025-02-12. Review status: criteria provided, single submitter. Criteria: Invitae Variant Classification Sherloc (09022015). Collection method: clinical testing. Allele origin: germline.
Comment: This sequence change replaces serine, which is neutral and polar, with threonine, which is neutral and polar, at codon 1403 of the APC protein (p.Ser1403Thr). This variant is present in population databases (rs769483181, gnomAD 0.0009%). This variant has not been reported in the literature in individuals affected with APC-related conditions. ClinVar contains an entry for this variant (Variation ID: 2785085). Invitae Evidence Modeling of protein sequence and biophysical properties (such as structural, functional, and spatial information, amino acid conservation, physicochemical variation, residue mobility, and thermodynamic stability) indicates that this missense variant is not expected to disrupt APC protein function with a negative predictive value of 95%. In summary, the available evidence is currently insufficient to determine the role of this variant in disease. Therefore, it has been classified as a Variant of Uncertain Significance.

NM_000038.6(APC):c.4208G>C (p.Ser1403Thr)

Gene: APC (APC regulator of Wnt signaling pathway; plus strand). Cytogenetic location: 5q22.2.
Variant type: single nucleotide variant.
Coding change: c.4208G>C on transcript NM_000038.6 (MANE Select); coding-DNA position 4208, G replaced by C.
Protein change: p.Ser1403Thr; replaces serine 1403 with threonine.
Molecular consequence: missense variant. On other transcripts: non-coding transcript variant (2).
Genome position (GRCh38, 1-based): chr5:112,839,802, G>C. VCF-style: chr5-112839802-G-C. GRCh37 (hg19) VCF-style: chr5-112175499-G-C.
Other names: c.4208G>C, p.Ser1403Thr (NM_001127510.3, NM_001354895.2, NM_001407450.1); c.4154G>C, p.Ser1385Thr (NM_001127511.3); c.4262G>C, p.Ser1421Thr (NM_001354896.2, NM_001407447.1, NM_001407448.1 and 1 more transcripts); c.4238G>C, p.Ser1413Thr (NM_001354897.2); c.4133G>C, p.Ser1378Thr (NM_001354898.2); c.4124G>C, p.Ser1375Thr (NM_001354899.2); c.4085G>C, p.Ser1362Thr (NM_001354900.2); c.4031G>C, p.Ser1344Thr (NM_001354901.2, NM_001407453.1); and 11 more; short protein forms S1243T, S1277T, S1312T, S1320T, S1378T, S1413T, S1431T, S1019T.
Identifiers: ClinVar variation 2785085 (VCV002785085.3), dbSNP rs769483181, ClinGen allele CA037970.